The following is an entry in ClinVar:

ClinVar aggregate classification (germline): Conflicting classifications of pathogenicity. Review status: criteria provided, conflicting classifications (1 of 4 stars). 8 submissions from 8 submitters: Likely pathogenic (1); Uncertain significance (6). 1 of the submissions does not count toward it. Last evaluated 2025-12-24.
ClinVar aggregate classification (somatic clinical impact): Tier II - Potential (1 of 4 stars; one submission).

Conditions:
Medullary thyroid carcinoma (MTC). Also called: Medullary thyroid gland carcinoma. Identifiers: Orphanet 1332, MedGen C0238462, MeSH C536914, MONDO:0015277, HP:0002865.
Hereditary cancer-predisposing syndrome. Also called: Neoplastic Syndromes, Hereditary; Tumor predisposition; Hereditary Cancer Syndrome; Hereditary neoplastic syndrome. Identifiers: Orphanet 140162, MedGen C0027672, MeSH D009386, MONDO:0015356.
Hereditary cancer. Identifiers: MedGen C1333600.
Renal hypoplasia/aplasia. Also called: Renal hypodysplasia/aplasia. Identifiers: MedGen C1857453, HP:0008678.
Multiple endocrine neoplasia, type 2 (MEN2). Identifiers: Orphanet 653, MedGen C4048306, MONDO:0019003. Disease mechanism: gain of function.
Medulloblastoma non-WNT/non-SHH. Identifiers: MedGen C4330667, MONDO:0850198.

Allele frequency attached by ClinVar (database versions not stated): gnomAD 0.00002 and 0.00003; gnomAD exomes below 0.00001; ExAC 0.00001; TOPMed 0.00001; ESP Exome Variant Server 0.00008.
gnomAD v4.1: 9 of 1,613,804 alleles (0.00056%); highest among the groups gnomAD compares: African/African-American, 0.004%; no homozygotes.

Submissions (9):

Labcorp Genetics (formerly Invitae), Labcorp
Classification: Uncertain significance for Multiple endocrine neoplasia, type 2. Last evaluated: 2025-12-24. Review status: criteria provided, single submitter. Criteria: Invitae Variant Classification Sherloc (09022015). Collection method: clinical testing. Allele origin: germline.
Comment: This sequence change replaces arginine, which is basic and polar, with tryptophan, which is neutral and slightly polar, at codon 886 of the RET protein (p.Arg886Trp). This variant is present in population databases (rs146838520, gnomAD 0.01%). This missense change has been observed in individual(s) with clinical features of RET-related disease (PMID: 16712668, 21551259, 33532864, 35534704). ClinVar contains an entry for this variant (Variation ID: 24960). An algorithm developed to predict the effect of missense changes on protein structure and function (PolyPhen-2) suggests that this variant is likely to be disruptive. Experimental studies have shown that this missense change affects RET function (PMID: 21551259). In summary, the available evidence is currently insufficient to determine the role of this variant in disease. Therefore, it has been classified as a Variant of Uncertain Significance.

Mendelics
Classification: Uncertain significance for Hereditary cancer. Last evaluated: 2025-06-23. Review status: criteria provided, single submitter. Criteria: ACMG Guidelines, 2015. Collection method: clinical testing. Allele origin: unknown.
Comment: The available evidence is insufficient to conclusively determine the role of this variant. Therefore, it is classified as a Variant of Uncertain Significance.

Ambry Genetics
Classification: Uncertain significance for Hereditary cancer-predisposing syndrome. Last evaluated: 2025-06-06. Review status: criteria provided, single submitter. Criteria: Ambry Variant Classification Scheme 2023. Collection method: clinical testing. Allele origin: germline.
Comment: The p.R886W variant (also known as c.2656C>T), located in coding exon 15 of the RET gene, results from a C to T substitution at nucleotide position 2656. The arginine at codon 886 is replaced by tryptophan, an amino acid with dissimilar properties. In a study of 82 individuals from families with Multiple Endocrine Neoplasia Type 2, 53 individuals with apparently sporadic medullary thyroid cancer (MTC), and 70 controls, this variant was identified in one sporadic MTC patient (Prazeres HJ et al. Clin. Endocrinol. (Oxf) 2006 Jun; 64(6):659-66). In vitro functional studies, indicate that this alteration confers increased transforming potential, similar to mutant controls; and exhibits intermediate phosphorylation activity compared to wildtype and mutant controls (Prazeres H et al. Endocr. Relat. Cancer 2011 Aug; 18(4):401-12). This alteration was also identified in an individual diagnosed with renal agenesis (Domingo-Gallego A et al. Nephrol Dial Transplant, 2022 Mar;37:687-696).This amino acid position is highly conserved in available vertebrate species. In addition, this alteration is predicted to be deleterious by in silico analysis. Since supporting evidence is limited at this time, the clinical significance of this alteration remains unclear.

Institute for Genomic Medicine (IGM) Clinical Laboratory, Nationwide Children's Hospital
Classification: Tier II - Potential for Medulloblastoma non-WNT/non-SHH. Assertion type: diagnostic. Clinical significance: supports diagnosis. Last evaluated: 2025-01-30. Review status: criteria provided, single submitter. Criteria: AMP/ASCO/CAP Guidelines, 2017. Collection method: clinical testing. Allele origin: somatic. Affected: yes.
Comment: Variant has Tier II (potential) clinical significance as a diagnostic inclusion criterion in medulloblastoma non-WNT/non-SHH, based on the following evidence: 1) Documented in one or more cancer databases (e.g., St. Jude Pecan, COSMIC, CIViC, OncoKB). 2) Information in the literature supports potential biologic effect of variant (PMID: 21551259). 3) Assists in diagnosis alone or along with other biomarkers based on small studies or few case reports (Evidence Level D; PMIDs: 21551259, 37035203).

All of Us Research Program, National Institutes of Health
Classification: Uncertain significance for Multiple endocrine neoplasia, type 2. Last evaluated: 2024-02-05. Review status: criteria provided, single submitter. Criteria: ACMG Guidelines, 2015. Collection method: clinical testing. Allele origin: germline. Inheritance: Autosomal dominant inheritance. Observed: 4 variant alleles, 4 heterozygotes.
Comment: This missense variant replaces arginine with tryptophan at codon 886 of the RET protein. Computational prediction suggests that this variant may have deleterious impact on protein structure and function (internally defined REVEL score threshold >= 0.7, PMID: 27666373). Functional studies have shown that this variant has moderate GDNF-augmented transforming potential and increased activation of intracellular signaling targets when expressed in vitro (PMID: 21551259). This variant has been reported in in one individual with medullary thyroid cancer without evidence of pheochromocytoma or hyperparathyroidism (PMID: 16712668, 21551259). This variant has been identified in 3/281904 chromosomes in the general population by the Genome Aggregation Database (gnomAD). The available evidence is insufficient to determine the role of this variant in disease conclusively. Therefore, this variant is classified as a Variant of Uncertain Significance.

This study involves interpretation of variants in research participants for the purpose of population health screening. Participant phenotype was not available at the time of variant classification. Additional details can be found in publication PMID: 35346344, PMCID: PMC8962531

Molecular Biology Laboratory, Fundació Puigvert
Classification: Likely pathogenic for Renal hypoplasia/aplasia. Last evaluated: 2020-02-01. Review status: criteria provided, single submitter. Criteria: ACMG Guidelines, 2015. Collection method: research. Allele origin: germline. Affected: yes. Study: KidneyPanel_2020.

GeneDx
Classification: Uncertain significance. Last evaluated: 2019-10-05. Review status: criteria provided, single submitter. Criteria: GeneDx Variant Classification Process June 2021. Collection method: clinical testing. Allele origin: germline. Affected: yes.
Comment: Published functional studies demonstrate increased transforming potential, decreased phosphorylation, and intracellular signalling which differs significantly from wild type (Prazeres 2011); In silico analysis, which includes protein predictors and evolutionary conservation, supports a deleterious effect; Observed in an individual with a personal history of apparently sporadic medullary thyroid cancer but also in a clinically unaffected adult child (Prazeres 2006); This variant is associated with the following publications: (PMID: 21551259, 16712668, 25637381, 21479187, 18258924)

PreventionGenetics, part of Exact Sciences
Classification: Uncertain significance. Last evaluated: 2017-10-20. Review status: criteria provided, single submitter. Criteria: ACMG Guidelines, 2015. Collection method: clinical testing. Allele origin: germline.

CSER _CC_NCGL, University of Washington
Classification: Uncertain significance for Thyroid carcinoma, medullary. Last evaluated: 2014-06-01. Review status: no assertion criteria provided. Collection method: research. Allele origin: germline. Inheritance: Autosomal dominant inheritance. Study: ESP 6500 variant annotation. Not counted in ClinVar's aggregate classification.
Comment: Variants classified for the Actionable exomic incidental findings in 6503 participants: challenges of variant classification manuscript

Literature cited by the submitters: PubMed 16712668 (cited by 3 submitters); PubMed 21551259 (cited by 4 submitters); PubMed 33532864 (cited by 3 submitters); PubMed 35534704 (cited by Labcorp Genetics (formerly Invitae), Labcorp); PubMed 21479187 (cited by Ambry Genetics); PubMed 25637381 (cited by Ambry Genetics); PubMed 31300450 (cited by Ambry Genetics); PubMed 37035203 (cited by Institute for Genomic Medicine (IGM) Clinical Laboratory, Nationwide Children's Hospital).

NM_020975.6(RET):c.2656C>T (p.Arg886Trp)

Gene: RET (ret proto-oncogene; plus strand). Cytogenetic location: 10q11.21.
Variant type: single nucleotide variant.
Coding change: c.2656C>T on transcript NM_020975.6 (MANE Select); coding-DNA position 2656, C replaced by T.
Protein change: p.Arg886Trp; replaces arginine 886 with tryptophan.
Molecular consequence: missense variant.
Genome position (GRCh38, 1-based): chr10:43,120,129, C>T. VCF-style: chr10-43120129-C-T. GRCh37 (hg19) VCF-style: chr10-43615577-C-T.
Other names: c.2656C>T, p.Arg886Trp (NM_000323.2, NM_001406743.1, NM_001406744.1 and 4 more transcripts); c.1894C>T, p.Arg632Trp (NM_001355216.2); c.2527C>T, p.Arg843Trp (NM_001406761.1, NM_001406762.1, NM_001406764.1); c.2521C>T, p.Arg841Trp (NM_001406763.1, NM_001406765.1); c.2368C>T, p.Arg790Trp (NM_001406766.1, NM_001406767.1, NM_001406770.1); c.2392C>T, p.Arg798Trp (NM_001406768.1); c.2260C>T, p.Arg754Trp (NM_001406769.1, NM_001406772.1); c.2218C>T, p.Arg740Trp (NM_001406771.1, NM_001406773.1); and 10 more; short protein forms R632W, R754W, R542W, R547W, R843W, R403W, R451W, R491W.
Identifiers: ClinVar variation 24960 (VCV000024960.21), dbSNP rs146838520, ClinGen allele CA008982.